The following is an entry in ClinVar:

ClinVar aggregate classification (germline): Pathogenic (1 of 4 stars; one submission).

Conditions:
DICER1-related tumor predisposition. Also called: DICER1 syndrome; DICER1-related pleuropulmonary blastoma cancer predisposition syndrome. Identifiers: Orphanet 284343, MedGen C3839822, MONDO:0100216.

Submission:

Labcorp Genetics (formerly Invitae), Labcorp
Classification: Pathogenic for DICER1-related tumor predisposition. Last evaluated: 2021-11-02. Review status: criteria provided, single submitter. Criteria: Invitae Variant Classification Sherloc (09022015). Collection method: clinical testing. Allele origin: germline.
Comment: For these reasons, this variant has been classified as Pathogenic. This variant has not been reported in the literature in individuals affected with DICER1-related conditions. This variant is not present in population databases (gnomAD no frequency). This sequence change creates a premature translational stop signal (p.Asp305Argfs*16) in the DICER1 gene. It is expected to result in an absent or disrupted protein product. Loss-of-function variants in DICER1 are known to be pathogenic (PMID: 19556464, 21266384).

Literature cited by the submitters: PubMed 19556464; PubMed 21266384.

NM_177438.3(DICER1):c.912dup (p.Asp305fs)

Gene: DICER1 (dicer 1, ribonuclease III; minus strand). Cytogenetic location: 14q32.13.
Variant type: Duplication.
Coding change: c.912dup on transcript NM_177438.3 (MANE Select); coding-DNA position 912, one base duplicated (A; older notation c.912dupA).
Protein change: p.Asp305fs; shifts the reading frame from aspartic acid 305.
Molecular consequence: frameshift variant.
Genome position (GRCh38, 1-based): chr14:95,124,660, T duplicated on the plus strand (A on the coding strand, the reverse complement: DICER1 is on the minus strand). VCF-style (leftmost placement, unchanged base first): chr14-95124659-C-CT. GRCh37 (hg19) VCF-style: chr14-95590996-C-CT.
Other names: c.912dup, p.Asp305fs (NM_001195573.1, NM_001271282.3, NM_001291628.2 and 1 more transcripts); short protein forms D305fs.
Identifiers: ClinVar variation 1453294 (VCV001453294.7), dbSNP rs2140208697, ClinGen allele CA2573150346.